The following is an entry in ClinVar:

ClinVar aggregate classification (germline): Likely pathogenic (1 of 4 stars; one submission).

Conditions:
Neurodevelopmental disorder with hypotonia and autistic features with or without hyperkinetic movements. Identifiers: MedGen C5231491, MONDO:0032900, OMIM 618760.

Submission:

Molecular Genetics, Royal Melbourne Hospital
Classification: Likely pathogenic for Neurodevelopmental disorder with hypotonia and autistic features with or without hyperkinetic movements. Last evaluated: 2024-03-01. Review status: criteria provided, single submitter. Criteria: ACMG Guidelines, 2015. Collection method: clinical testing. Allele origin: germline. Inheritance: Autosomal dominant inheritance. Affected: yes.
Comment: This sequence change in VAMP2 is a nonsense variant predicted to cause a premature stop codon, p.(Gln76*), in biologically relevant exon 3/5 leading to nonsense-mediated decay in a gene in which loss of function is an established disease mechanism (PMID: 15475946, 11691998, 30144509, 32906212, 35468861). This variant is absent from the population database gnomAD v4.0. To our knowledge, this variant is novel and has not been previously reported in the relevant scientific literature or databases. Based on the classification scheme RMH Modified ACMG/AMP Guidelines v1.6.1, this variant is classified as LIKELY PATHOGENIC. Following criteria are met: PVS1, PM2_Supporting.

Literature cited by the submitters: PubMed 11691998; PubMed 15475946; PubMed 30144509; PubMed 32906212; PubMed 35468861.

NM_014232.3(VAMP2):c.226C>T (p.Gln76Ter)

Gene: VAMP2 (vesicle associated membrane protein 2; minus strand). Cytogenetic location: 17p13.1.
Variant type: single nucleotide variant.
Coding change: c.226C>T on transcript NM_014232.3 (MANE Select); coding-DNA position 226, C replaced by T.
Protein change: p.Gln76Ter; replaces glutamine 76 with a stop codon.
Molecular consequence: nonsense.
Genome position (GRCh38, 1-based): chr17:8,161,664, G>A on the plus strand (C>T on the coding strand, the complement: VAMP2 is on the minus strand). VCF-style: chr17-8161664-G-A. GRCh37 (hg19) VCF-style: chr17-8064982-G-A.
Other names: c.232C>T, p.Gln78Ter (NM_001330125.1); short protein forms Q76*, Q78*.
Identifiers: ClinVar variation 3068556 (VCV003068556.1), dbSNP rs2507691218, ClinGen allele CA397965345.